The following is an entry in ClinVar:

ClinVar aggregate classification (germline): Uncertain significance (1 of 4 stars; one submission).

Allele frequency attached by ClinVar (database versions not stated): TOPMed below 0.00001; gnomAD 0.00001; gnomAD exomes 0.00003; ExAC 0.00005.
gnomAD v4.1: 42 of 1,612,886 alleles (0.0026%); highest among the groups gnomAD compares: Non-Finnish European, 0.0033%; no homozygotes.

Submission:

Labcorp Genetics (formerly Invitae), Labcorp
Classification: Uncertain significance. Last evaluated: 2022-08-16. Review status: criteria provided, single submitter. Criteria: Invitae Variant Classification Sherloc (09022015). Collection method: clinical testing. Allele origin: germline.
Comment: This sequence change replaces methionine, which is neutral and non-polar, with valine, which is neutral and non-polar, at codon 54 of the RIN2 protein (p.Met54Val). This variant is present in population databases (rs746682975, gnomAD 0.007%). This variant has not been reported in the literature in individuals affected with RIN2-related conditions. Algorithms developed to predict the effect of missense changes on protein structure and function are either unavailable or do not agree on the potential impact of this missense change (SIFT: "Tolerated"; PolyPhen-2: "Not Available"; Align-GVGD: "Class C0"). In summary, the available evidence is currently insufficient to determine the role of this variant in disease. Therefore, it has been classified as a Variant of Uncertain Significance.

NM_018993.4(RIN2):c.160A>G (p.Met54Val)

Gene: RIN2 (Ras and Rab interactor 2; plus strand). Cytogenetic location: 20p11.23.
Variant type: single nucleotide variant.
Coding change: c.160A>G on transcript NM_018993.4 (MANE Select); coding-DNA position 160, A replaced by G.
Protein change: p.Met54Val; replaces methionine 54 with valine.
Molecular consequence: missense variant. On other transcripts: 5 prime UTR variant (1).
Genome position (GRCh38, 1-based): chr20:19,956,616, A>G. VCF-style: chr20-19956616-A-G. GRCh37 (hg19) VCF-style: chr20-19937260-A-G.
Other names: c.307A>G, p.Met103Val (NM_001242581.2); c.-386A>G (NM_001378238.1); short protein forms M54V, M103V.
Identifiers: ClinVar variation 1963930 (VCV001963930.2), dbSNP rs746682975, ClinGen allele CA9779751.